The following is an entry in ClinVar:

NM_014252.4(SLC25A15):c.169del (p.Gln57fs)

Gene: SLC25A15 (solute carrier family 25 member 15; plus strand). Cytogenetic location: 13q14.11.
Variant type: Deletion.
Coding change: c.169del on transcript NM_014252.4 (MANE Select); coding-DNA position 169, one base deleted (C; older notation c.169delC).
Protein change: p.Gln57fs; shifts the reading frame from glutamine 57.
Molecular consequence: frameshift variant. On other transcripts: non-coding transcript variant (2).
Genome position (GRCh38, 1-based): chr13:40,799,170, C deleted; the last of 3 consecutive C bases (chr13:40,799,168-40,799,170); deleting any one gives the same sequence. VCF-style (leftmost placement, unchanged base first): chr13-40799167-TC-T. GRCh37 (hg19) VCF-style: chr13-41373303-TC-T.
Other names: short protein forms Q57fs.
Identifiers: ClinVar variation 4815645 (VCV004815645.1).

ClinVar aggregate classification (germline): Likely pathogenic (1 of 4 stars; one submission).

Conditions:
Hyperornithinemia-hyperammonemia-homocitrullinuria syndrome (HHHS). Also called: HHH SYNDROME; Ornithine translocase deficiency. Identifiers: Orphanet 415, MedGen C0268540, MONDO:0009393, OMIM 238970.

Submission:

Natera, Inc.
Classification: Likely pathogenic for Hyperornithinemia-hyperammonemia-homocitrullinuria syndrome. Last evaluated: 2025-06-29. Review status: criteria provided, single submitter. Criteria: Natera Variant Classification Schema (03/2026). Collection method: clinical testing. Allele origin: germline.
Comment: The c.169del variant in SLC25A15 is a frameshift variant predicted to shift the reading frame beginning at codon 57 and leads to a stop codon 15 codons downstream. This variant is expected to result in nonsense mediated decay, truncation, or a dysfunctional protein product. This variant is rare in the general population with a frequency below the threshold expected for the associated phenotype(s). Given the available evidence, this variant is classified as Likely Pathogenic.